The following is an entry in ClinVar:

ClinVar aggregate classification (germline): Uncertain significance. Review status: criteria provided, multiple submitters, no conflicts (2 of 4 stars). 4 submissions from 4 submitters: Uncertain significance (4). Last evaluated 2025-05-13.

Conditions:
Inborn genetic diseases. Identifiers: MedGen C0950123, MeSH D030342.
3M syndrome 1. Also called: 3-M Syndrome, CUL7-Related. Identifiers: Orphanet 2616, MedGen C2678312, MONDO:0010117, OMIM 273750.

Allele frequency attached by ClinVar (database versions not stated): gnomAD 0.00003; gnomAD exomes 0.00005 and 0.00013; ExAC 0.00011; TOPMed 0.00011.
gnomAD v4.1: 35 of 1,614,084 alleles (0.0022%); highest among the groups gnomAD compares: Admixed American, 0.057%; no homozygotes.

Submissions (4):

Ambry Genetics
Classification: Uncertain significance for Inborn genetic diseases. Last evaluated: 2025-05-13. Review status: criteria provided, single submitter. Criteria: Ambry Variant Classification Scheme 2023. Collection method: clinical testing. Allele origin: germline.

Labcorp Genetics (formerly Invitae), Labcorp
Classification: Uncertain significance. Last evaluated: 2022-11-14. Review status: criteria provided, single submitter. Criteria: Invitae Variant Classification Sherloc (09022015). Collection method: clinical testing. Allele origin: germline.
Comment: In summary, the available evidence is currently insufficient to determine the role of this variant in disease. Therefore, it has been classified as a Variant of Uncertain Significance. Advanced modeling of protein sequence and biophysical properties (such as structural, functional, and spatial information, amino acid conservation, physicochemical variation, residue mobility, and thermodynamic stability) performed at Invitae indicates that this missense variant is not expected to disrupt CUL7 protein function. ClinVar contains an entry for this variant (Variation ID: 289388). This variant has not been reported in the literature in individuals affected with CUL7-related conditions. This variant is present in population databases (rs749595977, gnomAD 0.09%). This sequence change replaces lysine, which is basic and polar, with asparagine, which is neutral and polar, at codon 862 of the CUL7 protein (p.Lys862Asn).

Illumina Laboratory Services, Illumina
Classification: Uncertain significance for 3M syndrome 1. Last evaluated: 2018-01-13. Review status: criteria provided, single submitter. Criteria: ICSL Variant Classification Criteria 13 December 2019. Collection method: clinical testing. Allele origin: germline.

Eurofins Ntd Llc (ga)
Classification: Uncertain significance. Last evaluated: 2016-08-04. Review status: criteria provided, single submitter. Criteria: EGL Classification Definitions 2015. Collection method: clinical testing. Allele origin: germline. Observed: 1 variant allele, 1 heterozygote.

NM_014780.5(CUL7):c.2586G>T (p.Lys862Asn)

Gene: CUL7 (cullin 7; minus strand). Cytogenetic location: 6p21.1.
Variant type: single nucleotide variant.
Coding change: c.2586G>T on transcript NM_014780.5 (MANE Select); coding-DNA position 2586, G replaced by T.
Protein change: p.Lys862Asn; replaces lysine 862 with asparagine.
Molecular consequence: missense variant.
Genome position (GRCh38, 1-based): chr6:43,046,310, C>A on the plus strand (G>T on the coding strand, the complement: CUL7 is on the minus strand). VCF-style: chr6-43046310-C-A. GRCh37 (hg19) VCF-style: chr6-43014048-C-A.
Other names: c.2682G>T, p.Lys894Asn (NM_001168370.2, NM_001374872.1); c.2586G>T, p.Lys862Asn (NM_001374873.1, NM_001374874.1); short protein forms K862N, K894N.
Identifiers: ClinVar variation 289388 (VCV000289388.16), dbSNP rs749595977, ClinGen allele CA3813796.